The following is an entry in ClinVar:

ClinVar aggregate classification (germline): Uncertain significance (1 of 4 stars; one submission).

Submission:

CeGaT Center for Human Genetics Tuebingen
Classification: Uncertain significance. Last evaluated: 2025-12-01. Review status: criteria provided, single submitter. Criteria: CeGaT Center For Human Genetics Tuebingen Variant Classification Criteria Version 2. Collection method: clinical testing. Allele origin: germline. Affected: yes. Observed: 1 variant allele.
Comment: HCFC1: PM2, BP4

NM_005334.3(HCFC1):c.4498-71C>G

Gene: HCFC1 (host cell factor C1; minus strand). Cytogenetic location: Xq28.
Variant type: single nucleotide variant.
Coding change: c.4498-71C>G on transcript NM_005334.3 (MANE Select); 71 bases into the intron before coding-DNA position 4498, C replaced by G.
Molecular consequence: intron variant. On other transcripts: missense variant (6).
Genome position (GRCh38, 1-based): chrX:153,953,029, G>C on the plus strand (C>G on the coding strand, the complement: HCFC1 is on the minus strand). VCF-style: chrX-153953029-G-C. GRCh37 (hg19) VCF-style: chrX-153218480-G-C.
Other names: c.4559C>G, p.Ala1520Gly (NM_001410705.1, NM_001440843.1, NM_001440844.1); c.4556C>G, p.Ala1519Gly (NM_001440845.1, NM_001440846.1); c.4361C>G, p.Ala1454Gly (NM_001440850.1); c.4300-71C>G (NM_001440851.1); c.4498-71C>G (NM_001440848.1, NM_001440849.1, NM_001440847.1); short protein forms A1454G, A1519G, A1520G.
Identifiers: ClinVar variation 4681796 (VCV004681796.5).